The following is an entry in ClinVar:

NM_005876.5(SPEG):c.3705C>T (p.Arg1235=)

Gene: SPEG (striated muscle enriched protein kinase; plus strand). Cytogenetic location: 2q35.
Variant type: single nucleotide variant.
Coding change: c.3705C>T on transcript NM_005876.5 (MANE Select); coding-DNA position 3705, C replaced by T.
Protein change: p.Arg1235=; no amino-acid change (arginine 1235 retained).
Molecular consequence: synonymous variant.
Genome position (GRCh38, 1-based): chr2:219,469,369, C>T. VCF-style: chr2-219469369-C-T. GRCh37 (hg19) VCF-style: chr2-220334091-C-T.
Identifiers: ClinVar variation 3026286 (VCV003026286.22), dbSNP rs2545780262, ClinGen allele CA431294748.

ClinVar aggregate classification (germline): Likely benign (1 of 4 stars; one submission).

Submission:

CeGaT Center for Human Genetics Tuebingen
Classification: Likely benign. Last evaluated: 2024-02-01. Review status: criteria provided, single submitter. Criteria: CeGaT Center For Human Genetics Tuebingen Variant Classification Criteria Version 2. Collection method: clinical testing. Allele origin: germline. Affected: yes. Observed: 1 variant allele.
Comment: SPEG: PM2:Supporting, BP4, BP7